The following is an entry in ClinVar:

NM_031418.4(ANO3):c.816C>G (p.Asp272Glu)

Gene: ANO3 (anoctamin 3; plus strand). Cytogenetic location: 11p14.2.
Variant type: single nucleotide variant.
Coding change: c.816C>G on transcript NM_031418.4 (MANE Select); coding-DNA position 816, C replaced by G.
Protein change: p.Asp272Glu; replaces aspartic acid 272 with glutamic acid.
Molecular consequence: missense variant.
Genome position (GRCh38, 1-based): chr11:26,531,283, C>G. VCF-style: chr11-26531283-C-G. GRCh37 (hg19) VCF-style: chr11-26552830-C-G.
Other names: c.999C>G, p.Asp333Glu (NM_001313726.2); c.378C>G, p.Asp126Glu (NM_001313727.2); short protein forms D126E, D272E, D333E.
Identifiers: ClinVar variation 859260 (VCV000859260.11), dbSNP rs1320614333, ClinGen allele CA379930084.

ClinVar aggregate classification (germline): Uncertain significance. Review status: criteria provided, multiple submitters, no conflicts (2 of 4 stars). 2 submissions from 2 submitters: Uncertain significance (2). Last evaluated 2025-12-09.

Conditions:
Dystonic disorder. Also called: Dystonia. Identifiers: MedGen C0013421, MONDO:0003441, HP:0001332.
Inborn genetic diseases. Identifiers: MedGen C0950123, MeSH D030342.

gnomAD v4.1: 4 of 1,614,016 alleles (0.00025%); highest among the groups gnomAD compares: Admixed American, 0.005%; no homozygotes.

Submissions (2):

Ambry Genetics
Classification: Uncertain significance for Inborn genetic diseases. Last evaluated: 2025-12-09. Review status: criteria provided, single submitter. Criteria: Ambry Variant Classification Scheme 2023. Collection method: clinical testing. Allele origin: germline.

Labcorp Genetics (formerly Invitae), Labcorp
Classification: Uncertain significance for Dystonic disorder. Last evaluated: 2019-12-27. Review status: criteria provided, single submitter. Criteria: Invitae Variant Classification Sherloc (09022015). Collection method: clinical testing. Allele origin: germline.
Comment: This variant has not been reported in the literature in individuals with ANO3-related conditions. In summary, the available evidence is currently insufficient to determine the role of this variant in disease. Therefore, it has been classified as a Variant of Uncertain Significance. Algorithms developed to predict the effect of missense changes on protein structure and function output the following: SIFT: "Tolerated"; PolyPhen-2: "Benign"; Align-GVGD: "Class C0". The glutamic acid amino acid residue is found in multiple mammalian species, suggesting that this missense change does not adversely affect protein function. These predictions have not been confirmed by published functional studies and their clinical significance is uncertain. This variant is not present in population databases (ExAC no frequency). This sequence change replaces aspartic acid with glutamic acid at codon 272 of the ANO3 protein (p.Asp272Glu). The aspartic acid residue is weakly conserved and there is a small physicochemical difference between aspartic acid and glutamic acid.